The following is an entry in ClinVar:

NM_001184880.2(PCDH19):c.2687T>C (p.Phe896Ser)

Gene: PCDH19 (protocadherin 19; minus strand). Cytogenetic location: Xq22.1.
Variant type: single nucleotide variant.
Coding change: c.2687T>C on transcript NM_001184880.2 (MANE Select); coding-DNA position 2687, T replaced by C.
Protein change: p.Phe896Ser; replaces phenylalanine 896 with serine.
Molecular consequence: missense variant.
Genome position (GRCh38, 1-based): chrX:100,342,064, A>G on the plus strand (T>C on the coding strand, the complement: PCDH19 is on the minus strand). VCF-style: chrX-100342064-A-G. GRCh37 (hg19) VCF-style: chrX-99597062-A-G.
Other names: p.F849S:TTC>TCC; c.2546T>C, p.Phe849Ser (NM_001105243.2); c.2543T>C, p.Phe848Ser (NM_020766.3); short protein forms F849S, F896S, F848S.
Identifiers: ClinVar variation 206344 (VCV000206344.12), dbSNP rs796052823, ClinGen allele CA316384.

ClinVar aggregate classification (germline): Uncertain significance. Review status: criteria provided, multiple submitters, no conflicts (2 of 4 stars). 2 submissions from 2 submitters: Uncertain significance (2). Last evaluated 2024-07-03.

Conditions:
Developmental and epileptic encephalopathy, 9 (DEE9). Also called: EPILEPSY, FEMALE-RESTRICTED, WITH MENTAL RETARDATION; Early infantile epileptic encephalopathy 9; PCDH19-Related X-Linked Female-Limited Epilepsy with Mental Retardation; JUBERG-HELLMAN SYNDROME. Identifiers: Orphanet 101039, Orphanet 2076, MedGen C1848137, MONDO:0010246, OMIM 300088. Disease mechanism: loss of function.

Allele frequency attached by ClinVar (database versions not stated): gnomAD exomes 0.00002 and below 0.00001.
gnomAD v4.1: 3 of 1,208,699 alleles (0.00025%); highest among the groups gnomAD compares: Admixed American, 0.0065%; no homozygotes.

Submissions (2):

GeneDx
Classification: Uncertain significance. Last evaluated: 2024-07-03. Review status: criteria provided, single submitter. Criteria: GeneDx Variant Classification Process June 2021. Collection method: clinical testing. Allele origin: germline. Affected: yes.
Comment: In silico analysis supports that this missense variant has a deleterious effect on protein structure/function; Has not been previously published as pathogenic or benign to our knowledge

Labcorp Genetics (formerly Invitae), Labcorp
Classification: Uncertain significance for Developmental and epileptic encephalopathy, 9. Last evaluated: 2023-10-03. Review status: criteria provided, single submitter. Criteria: Invitae Variant Classification Sherloc (09022015). Collection method: clinical testing. Allele origin: germline.
Comment: This sequence change replaces phenylalanine, which is neutral and non-polar, with serine, which is neutral and polar, at codon 896 of the PCDH19 protein (p.Phe896Ser). This variant is present in population databases (rs796052823, gnomAD 0.01%). This variant has not been reported in the literature in individuals affected with PCDH19-related conditions. ClinVar contains an entry for this variant (Variation ID: 206344). Advanced modeling of protein sequence and biophysical properties (such as structural, functional, and spatial information, amino acid conservation, physicochemical variation, residue mobility, and thermodynamic stability) has been performed at Invitae for this missense variant, however the output from this modeling did not meet the statistical confidence thresholds required to predict the impact of this variant on PCDH19 protein function. In summary, the available evidence is currently insufficient to determine the role of this variant in disease. Therefore, it has been classified as a Variant of Uncertain Significance.